The following is an entry in ClinVar:

ClinVar aggregate classification (germline): Uncertain significance (1 of 4 stars; one submission).

Allele frequency attached by ClinVar (database versions not stated): TOPMed 0.00002; gnomAD 0.00004.

Submission:

Labcorp Genetics (formerly Invitae), Labcorp
Classification: Uncertain significance. Last evaluated: 2023-06-06. Review status: criteria provided, single submitter. Criteria: Invitae Variant Classification Sherloc (09022015). Collection method: clinical testing. Allele origin: germline.
Comment: This variant has not been reported in the literature in individuals affected with KRT14-related conditions. Advanced modeling of protein sequence and biophysical properties (such as structural, functional, and spatial information, amino acid conservation, physicochemical variation, residue mobility, and thermodynamic stability) performed at Invitae indicates that this missense variant is not expected to disrupt KRT14 protein function. In summary, the available evidence is currently insufficient to determine the role of this variant in disease. Therefore, it has been classified as a Variant of Uncertain Significance. This sequence change replaces arginine, which is basic and polar, with cysteine, which is neutral and slightly polar, at codon 416 of the KRT14 protein (p.Arg416Cys). This variant is present in population databases (rs777067461, gnomAD 0.02%).

NM_000526.5(KRT14):c.1246C>T (p.Arg416Cys)

Gene: KRT14 (keratin 14; minus strand). Cytogenetic location: 17q21.2.
Variant type: single nucleotide variant.
Coding change: c.1246C>T on transcript NM_000526.5 (MANE Select); coding-DNA position 1246, C replaced by T.
Protein change: p.Arg416Cys; replaces arginine 416 with cysteine.
Molecular consequence: missense variant.
Genome position (GRCh38, 1-based): chr17:41,583,263, G>A on the plus strand (C>T on the coding strand, the complement: KRT14 is on the minus strand). VCF-style: chr17-41583263-G-A. GRCh37 (hg19) VCF-style: chr17-39739515-G-A.
Other names: short protein forms R416C.
Identifiers: ClinVar variation 2915508 (VCV002915508.3), dbSNP rs777067461, ClinGen allele CA8562466.